The following is an entry in ClinVar:

NM_145290.4(ADGRA3):c.19C>T (p.Arg7Trp)

Gene: ADGRA3 (adhesion G protein-coupled receptor A3; minus strand). Cytogenetic location: 4p15.2.
Variant type: single nucleotide variant.
Coding change: c.19C>T on transcript NM_145290.4 (MANE Select); coding-DNA position 19, C replaced by T.
Protein change: p.Arg7Trp; replaces arginine 7 with tryptophan.
Molecular consequence: missense variant.
Genome position (GRCh38, 1-based): chr4:22,515,766, G>A on the plus strand (C>T on the coding strand, the complement: ADGRA3 is on the minus strand). VCF-style: chr4-22515766-G-A. GRCh37 (hg19) VCF-style: chr4-22517389-G-A.
Other names: short protein forms R7W.
Identifiers: ClinVar variation 3685049 (VCV003685049.2).
Genomic context (GRCh38, chr4:22,515,766, plus strand): 5'-GCGCGAGCAGCGCTAACAGCGAGAGCGGCAGCAACAGCGGCGGCTGCGCGCGGCCCCGCC[G>A]GCGTCCGGGTGGCTCCATGCTGCGGGCCGGGGCCTGCGGGGCGAGCGGCGGCGCACTGGC-3'
Protein context (NP_660333.2, residues 1-17): MEPPGR[Arg7Trp]RGRAQPPLLL

ClinVar aggregate classification (germline): Uncertain significance (1 of 4 stars; one submission).

Submission:

Labcorp Genetics (formerly Invitae), Labcorp
Classification: Uncertain significance. Last evaluated: 2024-11-13. Review status: criteria provided, single submitter. Criteria: Invitae Variant Classification Sherloc (09022015). Collection method: clinical testing. Allele origin: germline.
Comment: This sequence change replaces arginine, which is basic and polar, with tryptophan, which is neutral and slightly polar, at codon 7 of the ADGRA3 protein (p.Arg7Trp). The frequency data for this variant in the population databases is considered unreliable, as metrics indicate insufficient coverage at this position in the gnomAD database. This variant has not been reported in the literature in individuals affected with ADGRA3-related conditions. An algorithm developed to predict the effect of missense changes on protein structure and function outputs the following: PolyPhen-2: "Not Available". The tryptophan amino acid residue is found in multiple mammalian species, which suggests that this missense change does not adversely affect protein function. In summary, the available evidence is currently insufficient to determine the role of this variant in disease. Therefore, it has been classified as a Variant of Uncertain Significance.